The following is an entry in ClinVar:

ClinVar aggregate classification (germline): Pathogenic/Likely pathogenic. Review status: criteria provided, multiple submitters, no conflicts (2 of 4 stars). 4 submissions from 4 submitters: Pathogenic (1); Likely pathogenic (3). Last evaluated 2025-10-30.

Conditions:
Bardet-Biedl syndrome (BBS). Identifiers: Orphanet 110, MedGen C0752166, MONDO:0015229.
Bardet-Biedl syndrome 12 (BBS12). Identifiers: Orphanet 110, MedGen C1859570, MONDO:0014440, OMIM 615989.

Allele frequency attached by ClinVar (database versions not stated): gnomAD 0.00001; gnomAD exomes 0.00001; TOPMed 0.00001.
gnomAD v4.1: 8 of 1,613,990 alleles (0.0005%); highest among the groups gnomAD compares: African/African-American, 0.0013%; no homozygotes.

Submissions (4):

Natera, Inc.
Classification: Likely pathogenic for Bardet-Biedl syndrome type 12. Last evaluated: 2025-10-30. Review status: criteria provided, single submitter. Criteria: Natera Variant Classification Schema (03/2026). Collection method: clinical testing. Allele origin: germline.
Comment: The c.445C>T variant in BBS12 is a nonsense variant predicted to introduce a stop codon at amino acid 149. This variant is expected to result in nonsense mediated decay, truncation, or a dysfunctional protein product. This variant is rare in the general population with a frequency below the threshold expected for the associated phenotype(s). Given the available evidence, this variant is classified as Likely Pathogenic.

Labcorp Genetics (formerly Invitae), Labcorp
Classification: Pathogenic for Bardet-Biedl syndrome. Last evaluated: 2024-10-17. Review status: criteria provided, single submitter. Criteria: Invitae Variant Classification Sherloc (09022015). Collection method: clinical testing. Allele origin: germline.
Comment: This sequence change creates a premature translational stop signal (p.Gln149*) in the BBS12 gene. While this is not anticipated to result in nonsense mediated decay, it is expected to disrupt the last 562 amino acid(s) of the BBS12 protein. This variant is not present in population databases (gnomAD no frequency). This variant has not been reported in the literature in individuals affected with BBS12-related conditions. ClinVar contains an entry for this variant (Variation ID: 1069707). This variant disrupts a region of the BBS12 protein in which other variant(s) (p.Arg675*) have been determined to be pathogenic (PMID: 20827784, 21642631). This suggests that this is a clinically significant region of the protein, and that variants that disrupt it are likely to be disease-causing. For these reasons, this variant has been classified as Pathogenic.

Fulgent Genetics
Classification: Likely pathogenic for Bardet-Biedl syndrome 12. Last evaluated: 2024-05-14. Review status: criteria provided, single submitter. Criteria: ACMG Guidelines, 2015. Collection method: clinical testing. Allele origin: germline.

Revvity Omics, Revvity
Classification: Likely pathogenic for Bardet-Biedl syndrome 12. Last evaluated: 2021-12-28. Review status: criteria provided, single submitter. Criteria: ACMG Guidelines, 2015. Collection method: clinical testing. Allele origin: germline.

Literature cited by the submitters: PubMed 20827784 (cited by Labcorp Genetics (formerly Invitae), Labcorp); PubMed 21642631 (cited by Labcorp Genetics (formerly Invitae), Labcorp).

NM_152618.3(BBS12):c.445C>T (p.Gln149Ter)

Gene: BBS12 (Bardet-Biedl syndrome 12; plus strand). Cytogenetic location: 4q27.
Variant type: single nucleotide variant.
Coding change: c.445C>T on transcript NM_152618.3 (MANE Select); coding-DNA position 445, C replaced by T.
Protein change: p.Gln149Ter; replaces glutamine 149 with a stop codon.
Molecular consequence: nonsense.
Genome position (GRCh38, 1-based): chr4:122,742,337, C>T. VCF-style: chr4-122742337-C-T. GRCh37 (hg19) VCF-style: chr4-123663492-C-T.
Other names: c.445C>T, p.Gln149Ter (NM_001178007.2); c.445C>T (NM_152618.2); short protein forms Q149*.
Identifiers: ClinVar variation 1069707 (VCV001069707.13), dbSNP rs1194574169, ClinGen allele CA358222947.
Genomic context (GRCh38, chr4:122,742,337, plus strand): 5'-TCTCTTCATGTACCTGTTCACAATATATTTGACTGTATGGACAGCACAAAAACATTTTCT[C>T]AACTTGAAACATTTAGTGTAAGTTTGTGTCCTTTTCTACAGGTCCCTTCAGATACTGATT-3'